The following is an entry in ClinVar:

NM_001032283.3(TMPO):c.565+1048G>C

Gene: TMPO (thymopoietin; plus strand). Cytogenetic location: 12q23.1.
Variant type: single nucleotide variant.
Coding change: c.565+1048G>C on transcript NM_001032283.3 (MANE Select); 1048 bases into the intron after coding-DNA position 565, G replaced by C.
Molecular consequence: intron variant. On other transcripts: missense variant (1).
Genome position (GRCh38, 1-based): chr12:98,532,886, G>C. VCF-style: chr12-98532886-G-C. GRCh37 (hg19) VCF-style: chr12-98926664-G-C.
Other names: c.629G>C, p.Gly210Ala (NM_003276.2); c.565+1048G>C (NM_001307975.2, NM_001032284.3); short protein forms G210A.
Identifiers: ClinVar variation 1976648 (VCV001976648.6), dbSNP rs1877293542, ClinGen allele CA386151482.
Genomic context (GRCh38, chr12:98,532,886, plus strand): 5'-AGAAGAAAGAACACAAGAAAGTGAAGTCCACTAGGGATATTGTTCCTTTTTCTGAACTTG[G>C]AACTACTCCCTCTGGTGGTGGATTTTTTCAGGGTATTTCTTTTCCTGAAATCTCCACCCG-3'

ClinVar aggregate classification (germline): Uncertain significance. Review status: criteria provided, multiple submitters, no conflicts (2 of 4 stars). 2 submissions from 2 submitters: Uncertain significance (2). Last evaluated 2024-10-28.

Conditions:
Loeys-Dietz syndrome 2 (LDS2). Also called: Marfan Syndrome type 2; Marfan like connective tissue disorder; MFS 2; TGFBR2-Related Loeys-Dietz Syndrome; AORTIC ANEURYSM, FAMILIAL THORACIC 3; MARFAN SYNDROME, TYPE II. Identifiers: Orphanet 284973, Orphanet 558, MedGen C2674574, MONDO:0012427, OMIM 610168.

Allele frequency attached by ClinVar (database versions not stated): gnomAD exomes 0.00001.
gnomAD v4.1: 4 of 1,614,050 alleles (0.00025%); highest among the groups gnomAD compares: Non-Finnish European, 0.00034%; no homozygotes.

Submissions (2):

Ambry Genetics
Classification: Uncertain significance. Last evaluated: 2024-10-28. Review status: criteria provided, single submitter. Criteria: Ambry Variant Classification Scheme 2023. Collection method: clinical testing. Allele origin: germline.
Comment: The p.G210A variant (also known as c.629G>C), located in coding exon 4 of the TMPO gene, results from a G to C substitution at nucleotide position 629. The glycine at codon 210 is replaced by alanine, an amino acid with similar properties. This amino acid position is conserved. In addition, this alteration is predicted to be tolerated by in silico analysis. Based on the available evidence, the clinical significance of this variant remains unclear.

Labcorp Genetics (formerly Invitae), Labcorp
Classification: Uncertain significance for Loeys-Dietz syndrome 2. Last evaluated: 2022-10-25. Review status: criteria provided, single submitter. Criteria: Invitae Variant Classification Sherloc (09022015). Collection method: clinical testing. Allele origin: germline.
Comment: In summary, the available evidence is currently insufficient to determine the role of this variant in disease. Therefore, it has been classified as a Variant of Uncertain Significance. Advanced modeling of protein sequence and biophysical properties (such as structural, functional, and spatial information, amino acid conservation, physicochemical variation, residue mobility, and thermodynamic stability) performed at Invitae indicates that this missense variant is not expected to disrupt TMPO protein function. This variant has not been reported in the literature in individuals affected with TMPO-related conditions. This variant is not present in population databases (gnomAD no frequency). This sequence change replaces glycine, which is neutral and non-polar, with alanine, which is neutral and non-polar, at codon 210 of the TMPO protein (p.Gly210Ala).